The following is an entry in ClinVar:

NM_002109.6(HARS1):c.465A>T (p.Val155=)

Gene: HARS1 (histidyl-tRNA synthetase 1; minus strand). Cytogenetic location: 5q31.3.
Variant type: single nucleotide variant.
Coding change: c.465A>T on transcript NM_002109.6 (MANE Select); coding-DNA position 465, A replaced by T.
Protein change: p.Val155=; no amino-acid change (valine 155 retained).
Molecular consequence: synonymous variant. On other transcripts: intron variant (4).
Genome position (GRCh38, 1-based): chr5:140,679,059, T>A on the plus strand (A>T on the coding strand, the complement: HARS1 is on the minus strand). VCF-style: chr5-140679059-T-A. GRCh37 (hg19) VCF-style: chr5-140058644-T-A.
Other names: c.345A>T, p.Val115= (NM_001258040.3); c.378A>T, p.Val126= (NM_001289094.2); c.181-1044A>T (NM_001289093.2); c.342+3A>T (NM_001258042.3); c.301-1044A>T (NM_001289092.2); c.462+3A>T (NM_001258041.3).
Identifiers: ClinVar variation 2102921 (VCV002102921.4), dbSNP rs1202503765, ClinGen allele CA446640431.

ClinVar aggregate classification (germline): Uncertain significance (1 of 4 stars; one submission).

Conditions:
Usher syndrome type 3B. Also called: USHER SYNDROME, TYPE IIIB. Identifiers: MedGen C3281066, MONDO:0013788, OMIM 614504.

gnomAD v4.1: 3 of 1,614,094 alleles (0.00019%); highest among the groups gnomAD compares: South Asian, 0.0033%; no homozygotes.

Submission:

Labcorp Genetics (formerly Invitae), Labcorp
Classification: Uncertain significance for Usher syndrome type 3B. Last evaluated: 2022-03-11. Review status: criteria provided, single submitter. Criteria: Invitae Variant Classification Sherloc (09022015). Collection method: clinical testing. Allele origin: germline.
Comment: In summary, the available evidence is currently insufficient to determine the role of this variant in disease. Therefore, it has been classified as a Variant of Uncertain Significance. Algorithms developed to predict the effect of sequence changes on RNA splicing suggest that this variant may disrupt the consensus splice site. This variant has not been reported in the literature in individuals affected with HARS-related conditions. This sequence change affects codon 155 of the HARS mRNA. It is a 'silent' change, meaning that it does not change the encoded amino acid sequence of the HARS protein. This variant is not present in population databases (gnomAD no frequency).